The following is an entry in ClinVar:

ClinVar aggregate classification (germline): Likely benign (1 of 4 stars; one submission).

gnomAD v4.1: 64 of 1,237,378 alleles (0.0052%); highest among the groups gnomAD compares: East Asian, 0.1%; no homozygotes.

Submission:

CeGaT Center for Human Genetics Tuebingen
Classification: Likely benign. Last evaluated: 2025-10-01. Review status: criteria provided, single submitter. Criteria: CeGaT Center For Human Genetics Tuebingen Variant Classification Criteria Version 2. Collection method: clinical testing. Allele origin: germline. Affected: yes. Observed: 1 variant allele.
Comment: FBRSL1: BS2

NM_001382741.1(FBRSL1):c.829C>G (p.Arg277Gly)

Gene: FBRSL1 (fibrosin like 1; plus strand). Cytogenetic location: 12q24.33.
Variant type: single nucleotide variant.
Coding change: c.829C>G on transcript NM_001382741.1 (MANE Plus Clinical); coding-DNA position 829, C replaced by G.
Protein change: p.Arg277Gly; replaces arginine 277 with glycine.
Molecular consequence: missense variant. On other transcripts: non-coding transcript variant (1), intron variant (5).
Genome position (GRCh38, 1-based): chr12:132,509,505, C>G. VCF-style: chr12-132509505-C-G. GRCh37 (hg19) VCF-style: chr12-133086091-C-G.
Other names: c.532C>G, p.Arg178Gly (NM_001382742.1); c.489+1155C>G (NM_001367871.1, NM_001382739.1, NM_001142641.2 and 2 more transcripts); short protein forms R178G, R277G.
Identifiers: ClinVar variation 4534375 (VCV004534375.6).